The following is an entry in ClinVar:

ClinVar aggregate classification (germline): Uncertain significance (1 of 4 stars; one submission).

Conditions:
Cardiovascular phenotype. Identifiers: MedGen CN230736.

Allele frequency attached by ClinVar (database versions not stated): gnomAD exomes below 0.00001; ExAC 0.00001.
gnomAD v4.1: 3 of 1,614,018 alleles (0.00019%); highest among the groups gnomAD compares: Non-Finnish European, 0.00017%; no homozygotes.

Submission:

Ambry Genetics
Classification: Uncertain significance for Cardiovascular phenotype. Last evaluated: 2021-09-20. Review status: criteria provided, single submitter. Criteria: Ambry Variant Classification Scheme 2023. Collection method: clinical testing. Allele origin: germline.
Comment: The p.Q3748K variant (also known as c.11242C>A), located in coding exon 42 of the ANK2 gene, results from a C to A substitution at nucleotide position 11242. The glutamine at codon 3748 is replaced by lysine, an amino acid with similar properties. This amino acid position is not well conserved in available vertebrate species. In addition, this alteration is predicted to be tolerated by in silico analysis. Since supporting evidence is limited at this time, the clinical significance of this alteration remains unclear.

NM_001148.6(ANK2):c.11242C>A (p.Gln3748Lys)

Gene: ANK2 (ankyrin 2; plus strand). Cytogenetic location: 4q26.
Variant type: single nucleotide variant.
Coding change: c.11242C>A on transcript NM_001148.6 (MANE Select); coding-DNA position 11242, C replaced by A.
Protein change: p.Gln3748Lys; replaces glutamine 3748 with lysine.
Molecular consequence: missense variant.
Genome position (GRCh38, 1-based): chr4:113,367,775, C>A. VCF-style: chr4-113367775-C-A. GRCh37 (hg19) VCF-style: chr4-114288931-C-A.
Other names: c.4960C>A, p.Gln1654Lys (NM_001127493.3); c.4999C>A, p.Gln1667Lys (NM_001354225.2); c.4888C>A, p.Gln1630Lys (NM_001354228.2, NM_001354258.2); c.4966C>A, p.Gln1656Lys (NM_001354230.2); c.5029C>A, p.Gln1677Lys (NM_001354231.2, NM_001354242.2); c.5023C>A, p.Gln1675Lys (NM_001354232.2); c.4984C>A, p.Gln1662Lys (NM_001354235.2, NM_001354246.2, NM_001354265.2); c.4885C>A, p.Gln1629Lys (NM_001354236.2); and 35 more; short protein forms Q1563K, Q1590K, Q1609K, Q1630K, Q1653K, Q1658K, Q1663K, Q3748K.
Identifiers: ClinVar variation 1798549 (VCV001798549.2), dbSNP rs758624781, ClinGen allele CA3052249.